The following is an entry in ClinVar:

NM_006610.4(MASP2):c.741+1G>T

Gene: MASP2 (MBL associated serine protease 2; minus strand). Cytogenetic location: 1p36.22.
Variant type: single nucleotide variant.
Coding change: c.741+1G>T on transcript NM_006610.4 (MANE Select); the canonical splice donor site of the intron after coding-DNA position 741, G replaced by T.
Molecular consequence: splice donor variant.
Genome position (GRCh38, 1-based): chr1:11,043,338, C>A on the plus strand (G>T on the coding strand, the complement: MASP2 is on the minus strand). VCF-style: chr1-11043338-C-A. GRCh37 (hg19) VCF-style: chr1-11103395-C-A.
Identifiers: ClinVar variation 1696493 (VCV001696493.3), dbSNP rs368040764, ClinGen allele CA586957.

ClinVar aggregate classification (germline): Conflicting classifications of pathogenicity. Review status: criteria provided, conflicting classifications (1 of 4 stars). 3 submissions from 3 submitters: Likely pathogenic (2); Uncertain significance (1). Last evaluated 2026-01-29.

Conditions:
Immunodeficiency due to MASP-2 deficiency. Also called: MASP2 deficiency; LECTIN COMPLEMENT ACTIVATION PATHWAY, DEFECT IN, 2. Identifiers: Orphanet 331187, MedGen C3151085, MONDO:0013423, OMIM 613791.

Allele frequency attached by ClinVar (database versions not stated): gnomAD exomes 0.00002; gnomAD 0.00004 and 0.00005; ExAC 0.00005; TOPMed 0.00005; ESP Exome Variant Server 0.00008.
gnomAD v4.1: 16 of 1,602,972 alleles (0.001%); highest among the groups gnomAD compares: African/African-American, 0.016%; no homozygotes.

Submissions (3):

Women's Health and Genetics/Laboratory Corporation of America, LabCorp
Classification: Uncertain significance. Last evaluated: 2026-01-29. Review status: criteria provided, single submitter. Criteria: LabCorp Variant Classification Summary - May 2015. Collection method: clinical testing. Allele origin: germline.
Comment: Variant summary: MASP2 c.741+1G>T is located in a canonical splice-site and is predicted to affect mRNA splicing resulting in a significantly altered protein due to either exon skipping, shortening, or inclusion of intronic material. Variants that disrupt the consensus splice site are a relatively common cause of aberrant splicing, however current evidence is not sufficient to establish loss of function as a mechanism for disease. Several computational tools predict a significant impact on normal splicing: Three predict the variant abolishes a 5' splicing donor site. One predict the variant no significant impact on splicing. However, these predictions have yet to be confirmed by functional studies. The variant allele was found at a frequency of 2.1e-05 in 234980 control chromosomes. The available data on variant occurrences in the general population are insufficient to allow any conclusion about variant significance. To our knowledge, no occurrence of c.741+1G>T in individuals affected with MASP2-related conditions and no experimental evidence demonstrating its impact on protein function have been reported. ClinVar contains an entry for this variant (Variation ID: 1696493). Based on the evidence outlined above, the variant was classified as uncertain significance.

Department of Pathology and Laboratory Medicine, Sinai Health System
Classification: Likely pathogenic for immunodeficiency due to MASP-2 deficiency. Last evaluated: 2023-07-10. Review status: criteria provided, single submitter. Criteria: ACMG Guidelines, 2015. Collection method: research. Allele origin: germline.

New York Genome Center
Classification: Likely pathogenic for Immunodeficiency due to MASP-2 deficiency. Last evaluated: 2021-07-23. Review status: criteria provided, single submitter. Criteria: NYGC Assertion Criteria 2020. Collection method: clinical testing. Allele origin: inherited. Observed: 1 heterozygote. Study: CSER-NYCKidSeq.